The following is an entry in ClinVar:

NC_000011.9:g.(?_68564314)_(68564411_?)del

Gene: CPT1A (carnitine palmitoyltransferase 1A; minus strand). Cytogenetic location: 11q13.3.
Variant type: Deletion.
Identifiers: ClinVar variation 2424292 (VCV002424292.4).

ClinVar aggregate classification (germline): Pathogenic (1 of 4 stars; one submission).

Conditions:
Carnitine palmitoyl transferase 1A deficiency. Also called: Carnitine palmitoyltransferase 1A deficiency; CPT deficiency, hepatic, type IA; Carnitine palmitoyltransferase type I deficiency; CPT I DEFICIENCY; CPT DEFICIENCY, HEPATIC, TYPE I. Identifiers: Orphanet 156, MedGen C1829703, MONDO:0009705, OMIM 255120.

Submission:

Labcorp Genetics (formerly Invitae), Labcorp
Classification: Pathogenic for Carnitine palmitoyl transferase 1A deficiency. Last evaluated: 2022-10-06. Review status: criteria provided, single submitter. Criteria: Invitae Variant Classification Sherloc (09022015). Collection method: clinical testing. Allele origin: germline.
Comment: For these reasons, this variant has been classified as Pathogenic. This variant disrupts a region of the CPT1A protein in which other variant(s) (p.Pro247Leu) have been determined to be pathogenic (PMID: 33845545, 35360862). This suggests that this is a clinically significant region of the protein, and that variants that disrupt it are likely to be disease-causing. This variant has not been reported in the literature in individuals affected with CPT1A-related conditions. This variant is a gross deletion of the genomic region encompassing exon(s) 7 of the CPT1A gene. This variant would be expected to be in-frame, preserving the integrity of the reading frame.

Literature cited by the submitters: PubMed 33845545; PubMed 35360862.